The following is an entry in ClinVar:

ClinVar aggregate classification (germline): Uncertain significance (1 of 4 stars; one submission).

Conditions:
Inborn genetic diseases. Identifiers: MedGen C0950123, MeSH D030342.

Allele frequency attached by ClinVar (database versions not stated): TOPMed 0.00001.

Submission:

Ambry Genetics
Classification: Uncertain significance for Inborn genetic diseases. Last evaluated: 2021-01-06. Review status: criteria provided, single submitter. Criteria: Ambry Variant Classification Scheme 2023. Collection method: clinical testing. Allele origin: germline.
Comment: The c.365A>C (p.D122A) alteration is located in exon 4 (coding exon 4) of the AP1S1 gene. This alteration results from a A to C substitution at nucleotide position 365, causing the aspartic acid (D) at amino acid position 122 to be replaced by an alanine (A). The p.D122A alteration is predicted to be tolerated by in silico analysis. Based on insufficient or conflicting evidence, the clinical significance of this alteration remains unclear.

NM_001283.5(AP1S1):c.365A>C (p.Asp122Ala)

Gene: AP1S1 (adaptor related protein complex 1 subunit sigma 1; plus strand). Cytogenetic location: 7q22.1.
Variant type: single nucleotide variant.
Coding change: c.365A>C on transcript NM_001283.5 (MANE Select); coding-DNA position 365, A replaced by C.
Protein change: p.Asp122Ala; replaces aspartic acid 122 with alanine.
Molecular consequence: missense variant.
Genome position (GRCh38, 1-based): chr7:101,159,132, A>C. VCF-style: chr7-101159132-A-C. GRCh37 (hg19) VCF-style: chr7-100802413-A-C.
Other names: short protein forms D122A.
Identifiers: ClinVar variation 2228706 (VCV002228706.2), dbSNP rs982810719, ClinGen allele CA163356363.